The following is an entry in ClinVar:

ClinVar aggregate classification (germline): Uncertain significance (1 of 4 stars; one submission).

Submission:

GeneDx
Classification: Uncertain significance. Last evaluated: 2019-10-09. Review status: criteria provided, single submitter. Criteria: GeneDx Variant Classification Process June 2021. Collection method: clinical testing. Allele origin: germline. Affected: yes.
Comment: Not observed in large population cohorts (Lek et al., 2016); In silico analysis, which includes protein predictors and evolutionary conservation, supports a deleterious effect; Has not been previously published as pathogenic or benign to our knowledge; Variants in candidate genes are classified as variants of uncertain significance in accordance with ACMG guidelines (Richards et al., 2015)

NM_001961.4(EEF2):c.1591G>A (p.Asp531Asn)

Gene: EEF2 (eukaryotic translation elongation factor 2; minus strand). Cytogenetic location: 19p13.3.
Variant type: single nucleotide variant.
Coding change: c.1591G>A on transcript NM_001961.4 (MANE Select); coding-DNA position 1591, G replaced by A.
Protein change: p.Asp531Asn; replaces aspartic acid 531 with asparagine.
Molecular consequence: missense variant.
Genome position (GRCh38, 1-based): chr19:3,979,822, C>T on the plus strand (G>A on the coding strand, the complement: EEF2 is on the minus strand). VCF-style: chr19-3979822-C-T. GRCh37 (hg19) VCF-style: chr19-3979820-C-T.
Other names: short protein forms D531N.
Identifiers: ClinVar variation 1315814 (VCV001315814.2), dbSNP rs2145359704, ClinGen allele CA403391835.